The following is an entry in ClinVar:

NM_000128.4(F11):c.1480+1G>C

Gene: F11 (coagulation factor XI; plus strand). Cytogenetic location: 4q35.2.
Variant type: single nucleotide variant.
Coding change: c.1480+1G>C on transcript NM_000128.4 (MANE Select); the canonical splice donor site of the intron after coding-DNA position 1480, G replaced by C.
Molecular consequence: splice donor variant.
Genome position (GRCh38, 1-based): chr4:186,285,814, G>C. VCF-style: chr4-186285814-G-C. GRCh37 (hg19) VCF-style: chr4-187206968-G-C.
Other names: c.1480+1G>C (NM_001440593.1); c.1432+1G>C (NM_001440590.1, NM_001440596.1); c.1210+1G>C (NM_001440605.1, NM_001440607.1); c.1162+1G>C (NM_001440606.1, NM_001440608.1).
Identifiers: ClinVar variation 4817491 (VCV004817491.1).

ClinVar aggregate classification (germline): Likely pathogenic (1 of 4 stars; one submission).

Conditions:
Plasma factor XI deficiency.

Submission:

Natera, Inc.
Classification: Likely pathogenic for Plasma factor XI deficiency. Last evaluated: 2025-07-07. Review status: criteria provided, single submitter. Criteria: Natera Variant Classification Schema (03/2026). Collection method: clinical testing. Allele origin: germline.
Comment: The c.1480+1G>C variant in F11 is a canonical splice donor site variant predicted to affect pre-mRNA splicing, which may result in an abnormal transcript and altered protein product. This variant is expected to result in nonsense mediated decay, truncation, or a dysfunctional protein product. This variant is rare in the general population with a frequency below the threshold expected for the associated phenotype(s). Given the available evidence, this variant is classified as Likely Pathogenic.